The following is an entry in ClinVar:

NM_001009999.3(KDM1A):c.696C>A (p.Phe232Leu)

Gene: KDM1A (lysine demethylase 1A; plus strand). Cytogenetic location: 1p36.12.
Variant type: single nucleotide variant.
Coding change: c.696C>A on transcript NM_001009999.3 (MANE Select); coding-DNA position 696, C replaced by A.
Protein change: p.Phe232Leu; replaces phenylalanine 232 with leucine.
Molecular consequence: missense variant.
Genome position (GRCh38, 1-based): chr1:23,050,505, C>A. VCF-style: chr1-23050505-C-A. GRCh37 (hg19) VCF-style: chr1-23376998-C-A.
Other names: c.696C>A (NM_001009999.2); c.636C>A, p.Phe212Leu (NM_001363654.2, NM_001410763.1, NM_015013.4); c.696C>A, p.Phe232Leu (NM_001410762.1); short protein forms F212L, F232L.
Identifiers: ClinVar variation 2786585 (VCV002786585.6), dbSNP rs1020522210, ClinGen allele CA19213263.
Genomic context (GRCh38, chr1:23,050,505, plus strand): 5'-AGCAGCCTGTTTTCCAGATATTATCAGTGGACCACAACAGACCCAGAAGGTTTTTCTTTT[C>A]ATTAGAAACCGCACAGTAAGTTTCCATTTCAGCTTTTTCACCTGGATTATAAAAAGTATA-3'
Protein context (NP_001009999.1, residues 222-242): GPQQTQKVFL[Phe232Leu]IRNRTLQLWL

ClinVar aggregate classification (germline): Uncertain significance. Review status: criteria provided, multiple submitters, no conflicts (2 of 4 stars). 3 submissions from 3 submitters: Uncertain significance (2). 1 of the submissions does not count toward it. Last evaluated 2025-05-04.

Conditions:
KDM1A-related disorder. Also called: KDM1A-related condition.
Inborn genetic diseases. Identifiers: MedGen C0950123, MeSH D030342.

Allele frequency attached by ClinVar (database versions not stated): gnomAD 0.00001; TOPMed 0.00002; gnomAD exomes 0.00001.
gnomAD v4.1: 15 of 1,608,916 alleles (0.00093%); highest among the groups gnomAD compares: African/African-American, 0.004%; no homozygotes.

Submissions (3):

Labcorp Genetics (formerly Invitae), Labcorp
Classification: Uncertain significance. Last evaluated: 2025-05-04. Review status: criteria provided, single submitter. Criteria: Invitae Variant Classification Sherloc (09022015). Collection method: clinical testing. Allele origin: germline.
Comment: This sequence change replaces phenylalanine, which is neutral and non-polar, with leucine, which is neutral and non-polar, at codon 232 of the KDM1A protein (p.Phe232Leu). This variant is present in population databases (no rsID available, gnomAD 0.007%). This variant has not been reported in the literature in individuals affected with KDM1A-related conditions. ClinVar contains an entry for this variant (Variation ID: 2786585). Invitae Evidence Modeling of protein sequence and biophysical properties (such as structural, functional, and spatial information, amino acid conservation, physicochemical variation, residue mobility, and thermodynamic stability) indicates that this missense variant is not expected to disrupt KDM1A protein function with a negative predictive value of 80%. In summary, the available evidence is currently insufficient to determine the role of this variant in disease. Therefore, it has been classified as a Variant of Uncertain Significance.

Ambry Genetics
Classification: Uncertain significance for Inborn genetic diseases. Last evaluated: 2024-11-20. Review status: criteria provided, single submitter. Criteria: Ambry Variant Classification Scheme 2023. Collection method: clinical testing. Allele origin: germline.
Comment: The p.F232L variant (also known as c.696C>A), located in coding exon 4 of the KDM1A gene, results from a C to A substitution at nucleotide position 696. The phenylalanine at codon 232 is replaced by leucine, an amino acid with highly similar properties. This amino acid position is conserved. In addition, this alteration is predicted to be tolerated by in silico analysis. Based on the available evidence, the clinical significance of this variant remains unclear.

PreventionGenetics, part of Exact Sciences
Classification: Likely benign for KDM1A-related condition. Last evaluated: 2019-07-17. Review status: no assertion criteria provided. Collection method: clinical testing. Allele origin: germline. Not counted in ClinVar's aggregate classification.
Comment: This variant is classified as likely benign based on ACMG/AMP sequence variant interpretation guidelines (Richards et al. 2015 PMID: 25741868, with internal and published modifications).